The following is an entry in ClinVar:

NM_018668.5(VPS33B):c.498+4A>T

Gene: VPS33B (VPS33B late endosome and lysosome associated; minus strand). Cytogenetic location: 15q26.1.
Variant type: single nucleotide variant.
Coding change: c.498+4A>T on transcript NM_018668.5 (MANE Select); 4 bases into the intron after coding-DNA position 498, A replaced by T.
Molecular consequence: intron variant.
Genome position (GRCh38, 1-based): chr15:91,007,866, T>A on the plus strand (A>T on the coding strand, the complement: VPS33B is on the minus strand). VCF-style: chr15-91007866-T-A. GRCh37 (hg19) VCF-style: chr15-91551096-T-A.
Other names: c.417+4A>T (NM_001289148.1); c.225+4A>T (NM_001289149.1).
Identifiers: ClinVar variation 5002734 (VCV005002734.1).

ClinVar aggregate classification (germline): Uncertain significance (1 of 4 stars; one submission).

Conditions:
Arthrogryposis, renal dysfunction, and cholestasis 1 (ARCS1). Identifiers: Orphanet 2697, MedGen C1859722, MONDO:0008822, OMIM 208085.

Submission:

OLLIN Analises Genomicas, OLLIN
Classification: Uncertain significance for Arthrogryposis, renal dysfunction, and cholestasis 1. Last evaluated: 2026-08-06. Review status: criteria provided, single submitter. Criteria: ACMG Guidelines 2015 PMID 25741868. Collection method: clinical testing. Allele origin: germline. Inheritance: Autosomal recessive inheritance.
Comment: This variant is absent from gnomAD and ClinVar and has not been found in the scientific literature. According to the currently available evidence, this variant has been classified as uncertain significance (PM2_P, PP3).